The following is an entry in ClinVar:

ClinVar aggregate classification (germline): Likely benign. Review status: criteria provided, single submitter (1 of 4 stars). 2 submissions from 2 submitters: Likely benign (1). 1 of the submissions does not count toward it. Last evaluated 2024-11-26.

Conditions:
A2M-related disorder. Also called: A2M-related condition.

Allele frequency attached by ClinVar (database versions not stated): 1000 Genomes Project 0.00060; 1000 Genomes Project 30x 0.00062; ExAC 0.00167; ESP Exome Variant Server 0.00200; TOPMed 0.00209.
gnomAD v4.1: 3,200 of 1,609,894 alleles (0.2%); highest among the groups gnomAD compares: Non-Finnish European, 0.24%; 3 homozygotes.

Submissions (5):

Blueprint Genetics
Classification: Likely benign. Last evaluated: 2024-11-26. Review status: criteria provided, single submitter. Criteria: ACMG Guidelines, 2015. Collection method: clinical testing. Allele origin: germline.

PreventionGenetics, part of Exact Sciences
Classification: Likely benign for A2M-related condition. Last evaluated: 2023-05-25. Review status: no assertion criteria provided. Collection method: clinical testing. Allele origin: germline. Not counted in ClinVar's aggregate classification.
Comment: This variant is classified as likely benign based on ACMG/AMP sequence variant interpretation guidelines (Richards et al. 2015 PMID: 25741868, with internal and published modifications).

Dr. Peter K. Rogan Lab, Western University
No classification provided (evidence only). Condition: Lung cancer. Review status: no classification provided. Collection method: in vitro. Allele origin: not applicable. Functional consequence: retained intron. Not counted in ClinVar's aggregate classification.

Dr. Peter K. Rogan Lab, Western University
No classification provided (evidence only). Condition: Sarcoma. Review status: no classification provided. Collection method: in vitro. Allele origin: not applicable. Functional consequence: retained intron. Not counted in ClinVar's aggregate classification.

Dr. Peter K. Rogan Lab, Western University
No classification provided (evidence only). Condition: Sarcoma. Review status: no classification provided. Collection method: in vitro. Allele origin: not applicable. Functional consequence: retained intron. Not counted in ClinVar's aggregate classification.

NM_000014.6(A2M):c.3277-9T>G

Genes: A2M (alpha-2-macroglobulin; minus strand), KLRG1 (killer cell lectin like receptor G1; plus strand). Cytogenetic location: 12p13.31.
Variant type: single nucleotide variant.
Coding change: c.3277-9T>G on transcript NM_000014.6 (MANE Select); 9 bases into the intron before coding-DNA position 3277, T replaced by G.
Molecular consequence: intron variant.
Genome position (GRCh38, 1-based): chr12:9,077,429, A>C on the plus strand (T>G on the coding strand, the complement: A2M is on the minus strand). VCF-style: chr12-9077429-A-C. GRCh37 (hg19) VCF-style: chr12-9230025-A-C.
Other names: NC_000012.11:g.9230025A>C; c.3277-9T>G (NM_001347423.2); c.2827-9T>G (NM_001347425.2); c.2977-9T>G (NM_001347424.2).
Identifiers: ClinVar variation 3057128 (VCV003057128.4), dbSNP rs190813517, ClinGen allele CA6438155.
Genomic context (GRCh38, chr12:9,077,429, plus strand): 5'-GAAGGGCGATGGTGATATAGGCGGAGAGGGTCACTTCATCTTCTACTCCTCCCTGTGAAT[A>C]CGAGAGAGAGATCTGAATAATTCAACTTCTGAGAATGCTATTGATTAGTTCTTTCTATTC-3'